The following is an entry in ClinVar:

ClinVar aggregate classification (germline): Uncertain significance. Review status: criteria provided, multiple submitters, no conflicts (2 of 4 stars). 2 submissions from 2 submitters: Uncertain significance (2). Last evaluated 2022-07-17.

Conditions:
Hereditary cancer-predisposing syndrome. Also called: Hereditary neoplastic syndrome; Neoplastic Syndromes, Hereditary; Tumor predisposition; Hereditary Cancer Syndrome. Identifiers: Orphanet 140162, MedGen C0027672, MeSH D009386, MONDO:0015356.
Fanconi anemia complementation group J. Also called: BRIP1-Related Fanconi Anemia. Identifiers: Orphanet 84, MedGen C1836860, MONDO:0012187, OMIM 609054.
Familial cancer of breast. Also called: BREAST CANCER, FAMILIAL; Hereditary breast cancer; hereditary breast carcinoma. Identifiers: Orphanet 227535, MedGen C0346153, MONDO:0016419, OMIM 114480. Disease mechanism: loss of function.

Submissions (2):

Ambry Genetics
Classification: Uncertain significance for Hereditary cancer-predisposing syndrome. Last evaluated: 2022-07-17. Review status: criteria provided, single submitter. Criteria: Ambry Variant Classification Scheme 2023. Collection method: clinical testing. Allele origin: germline.
Comment: The p.T953A variant (also known as c.2857A>G), located in coding exon 18 of the BRIP1 gene, results from an A to G substitution at nucleotide position 2857. The threonine at codon 953 is replaced by alanine, an amino acid with similar properties. This amino acid position is conserved. In addition, this alteration is predicted to be tolerated by in silico analysis. Since supporting evidence is limited at this time, the clinical significance of this alteration remains unclear.

Labcorp Genetics (formerly Invitae), Labcorp
Classification: Uncertain significance for Familial cancer of breast; Fanconi anemia complementation group J. Last evaluated: 2020-01-14. Review status: criteria provided, single submitter. Criteria: Invitae Variant Classification Sherloc (09022015). Collection method: clinical testing. Allele origin: germline.
Comment: In summary, the available evidence is currently insufficient to determine the role of this variant in disease. Therefore, it has been classified as a Variant of Uncertain Significance. Algorithms developed to predict the effect of missense changes on protein structure and function output the following: SIFT: "Tolerated"; PolyPhen-2: "Benign"; Align-GVGD: "Class C0". The alanine amino acid residue is found in multiple mammalian species, suggesting that this missense change does not adversely affect protein function. These predictions have not been confirmed by published functional studies and their clinical significance is uncertain. This variant has not been reported in the literature in individuals with BRIP1-related conditions. This variant is not present in population databases (ExAC no frequency). This sequence change replaces threonine with alanine at codon 953 of the BRIP1 protein (p.Thr953Ala). The threonine residue is weakly conserved and there is a small physicochemical difference between threonine and alanine.

NM_032043.3(BRIP1):c.2857A>G (p.Thr953Ala)

Gene: BRIP1 (BRCA1 interacting DNA helicase 1; minus strand). Cytogenetic location: 17q23.2.
Variant type: single nucleotide variant.
Coding change: c.2857A>G on transcript NM_032043.3 (MANE Select); coding-DNA position 2857, A replaced by G.
Protein change: p.Thr953Ala; replaces threonine 953 with alanine.
Molecular consequence: missense variant.
Genome position (GRCh38, 1-based): chr17:61,685,884, T>C on the plus strand (A>G on the coding strand, the complement: BRIP1 is on the minus strand). VCF-style: chr17-61685884-T-C. GRCh37 (hg19) VCF-style: chr17-59763245-T-C.
Other names: short protein forms T953A.
Identifiers: ClinVar variation 1039757 (VCV001039757.12), dbSNP rs587780245, ClinGen allele CA400481295.